The following is an entry in ClinVar:

ClinVar aggregate classification (germline): Uncertain significance (1 of 4 stars; one submission).

Conditions:
FAM161A-related disorder. Also called: FAM161A-related condition.

Submission:

PreventionGenetics, part of Exact Sciences
Classification: Uncertain significance for FAM161A-related condition. Last evaluated: 2026-08-31. Review status: criteria provided, single submitter. Criteria: ACMG Guidelines, 2015. Collection method: clinical testing. Allele origin: germline.
Comment: The FAM161A c.348G>A variant is predicted to result in the amino acid substitution p.Met116Ile. To our knowledge, this variant has not been reported in the literature. This variant is reported in 0.0083% of alleles in individuals of African descent in gnomAD. At this time, the clinical significance of this variant is uncertain due to the absence of conclusive functional and genetic evidence.

NM_001201543.2(FAM161A):c.348G>A (p.Met116Ile)

Gene: FAM161A (FAM161 centrosomal protein A; minus strand). Cytogenetic location: 2p15.
Variant type: single nucleotide variant.
Coding change: c.348G>A on transcript NM_001201543.2 (MANE Select); coding-DNA position 348, G replaced by A.
Protein change: p.Met116Ile; replaces methionine 116 with isoleucine.
Molecular consequence: missense variant. On other transcripts: non-coding transcript variant (1).
Genome position (GRCh38, 1-based): chr2:61,842,196, C>T on the plus strand (G>A on the coding strand, the complement: FAM161A is on the minus strand). VCF-style: chr2-61842196-C-T. GRCh37 (hg19) VCF-style: chr2-62069331-C-T.
Other names: c.348G>A, p.Met116Ile (NM_032180.3); short protein forms M116I.
Identifiers: ClinVar variation 4990514 (VCV004990514.1).